The following is an entry in ClinVar:

ClinVar aggregate classification (germline): Uncertain significance (1 of 4 stars; one submission).

Allele frequency attached by ClinVar (database versions not stated): gnomAD exomes below 0.00001.
gnomAD v4.1: 1 of 1,595,958 alleles (0.000063%); highest among the groups gnomAD compares: Admixed American, 0.0017%; no homozygotes.

Submission:

GeneDx
Classification: Uncertain significance. Last evaluated: 2023-12-05. Review status: criteria provided, single submitter. Criteria: GeneDx Variant Classification Process June 2021. Collection method: clinical testing. Allele origin: germline. Affected: yes.
Comment: Not observed at significant frequency in large population cohorts (gnomAD); In silico analysis supports that this missense variant does not alter protein structure/function; Has not been previously published as pathogenic or benign to our knowledge

NM_001394372.1(BICRA):c.1393A>G (p.Met465Val)

Gene: BICRA (BRD4 interacting chromatin remodeling complex associated protein; plus strand). Cytogenetic location: 19q13.33.
Variant type: single nucleotide variant.
Coding change: c.1393A>G on transcript NM_001394372.1 (MANE Select); coding-DNA position 1393, A replaced by G.
Protein change: p.Met465Val; replaces methionine 465 with valine.
Molecular consequence: missense variant.
Genome position (GRCh38, 1-based): chr19:47,680,563, A>G. VCF-style: chr19-47680563-A-G. GRCh37 (hg19) VCF-style: chr19-48183820-A-G.
Other names: c.1393A>G, p.Met465Val (NM_015711.3); short protein forms M465V.
Identifiers: ClinVar variation 1704040 (VCV001704040.3), dbSNP rs781498159, ClinGen allele CA9541710.